The following is an entry in ClinVar:

NM_001349999.2(RBFOX2):c.373G>C (p.Gly125Arg)

Gene: RBFOX2 (RNA binding fox-1 homolog 2; minus strand). Cytogenetic location: 22q12.3.
Variant type: single nucleotide variant.
Coding change: c.373G>C on transcript NM_001349999.2 (MANE Select); coding-DNA position 373, G replaced by C.
Protein change: p.Gly125Arg; replaces glycine 125 with arginine.
Molecular consequence: missense variant.
Genome position (GRCh38, 1-based): chr22:35,809,869, C>G on the plus strand (G>C on the coding strand, the complement: RBFOX2 is on the minus strand). VCF-style: chr22-35809869-C-G. GRCh37 (hg19) VCF-style: chr22-36205916-C-G.
Other names: c.163G>C, p.Gly55Arg (NM_001031695.4, NM_001082576.3, NM_001082577.3 and 4 more transcripts); c.373G>C, p.Gly125Arg (NM_001082578.4, NM_001082579.3, NM_001394108.1 and 7 more transcripts); c.229G>C, p.Gly77Arg (NM_001349982.2, NM_001349989.2, NM_001349990.2 and 5 more transcripts); short protein forms G125R, G55R, G77R.
Identifiers: ClinVar variation 4986532 (VCV004986532.1).

ClinVar aggregate classification (germline): Uncertain significance (1 of 4 stars; one submission).

Conditions:
RBFOX2-related condition.

Submission:

PreventionGenetics, part of Exact Sciences
Classification: Uncertain significance for RBFOX2-related condition. Last evaluated: 2025-03-05. Review status: criteria provided, single submitter. Criteria: ACMG Guidelines, 2015. Collection method: clinical testing. Allele origin: germline.
Comment: The RBFOX2 c.373G>C variant is predicted to result in the amino acid substitution p.Gly125Arg. To our knowledge, this variant has not been reported in the literature or in a large population database (gnomAD), indicating this variant is rare. At this time, the clinical significance of this variant is uncertain due to the absence of conclusive functional and genetic evidence.